The following is an entry in ClinVar:

ClinVar aggregate classification (germline): Uncertain significance (1 of 4 stars; one submission).

Conditions:
Hereditary cancer-predisposing syndrome. Also called: Tumor predisposition; Hereditary Cancer Syndrome; Neoplastic Syndromes, Hereditary; Hereditary neoplastic syndrome. Identifiers: Orphanet 140162, MedGen C0027672, MeSH D009386, MONDO:0015356.

Allele frequency attached by ClinVar (database versions not stated): gnomAD exomes 0.00002; ExAC 0.00009.
gnomAD v4.1: 9 of 1,500,260 alleles (0.0006%); highest among the groups gnomAD compares: South Asian, 0.0075%; no homozygotes.

Submission:

Ambry Genetics
Classification: Uncertain significance for Hereditary cancer-predisposing syndrome. Last evaluated: 2026-01-09. Review status: criteria provided, single submitter. Criteria: Ambry Variant Classification Scheme 2023. Collection method: clinical testing. Allele origin: germline.
Comment: The c.-4C>T variant is located in the 5' untranslated region (5&rsquo; UTR) of the POLE gene. This variant results from a C to T substitution 4 bases upstream from the first translated codon. This nucleotide position is poorly conserved in available vertebrate species. Based on the available evidence, the clinical significance of this variant remains unclear.

NM_006231.4(POLE):c.-4C>T

Genes: POLE (DNA polymerase epsilon, catalytic subunit; minus strand), LOC130009266 (ATAC-STARR-seq lymphoblastoid silent region 5123; plus strand). Cytogenetic location: 12q24.33.
Variant type: single nucleotide variant.
Coding change: c.-4C>T on transcript NM_006231.4 (MANE Select); 4 bases upstream of the start codon, C replaced by T.
Molecular consequence: 5 prime UTR variant.
Genome position (GRCh38, 1-based): chr12:132,687,319, G>A on the plus strand (C>T on the coding strand, the complement: POLE is on the minus strand). VCF-style: chr12-132687319-G-A. GRCh37 (hg19) VCF-style: chr12-133263905-G-A.
Identifiers: ClinVar variation 484490 (VCV000484490.7), dbSNP rs776115380, ClinGen allele CA6894474.